The following is an entry in ClinVar:

ClinVar aggregate classification (germline): Uncertain significance. Review status: criteria provided, multiple submitters, no conflicts (2 of 4 stars). 3 submissions from 3 submitters: Uncertain significance (3). Last evaluated 2024-05-13.

Conditions:
Combined immunodeficiency due to CTPS1 deficiency. Also called: Immunodeficiency 24; Severe combined immunodeficiency due to CTPS1 deficiency. Identifiers: Orphanet 420573, MedGen C4014617, MONDO:0014391, OMIM 615897.

Allele frequency attached by ClinVar (database versions not stated): gnomAD 0.00001; TOPMed 0.00001; gnomAD exomes 0.00002; ExAC 0.00003; ESP Exome Variant Server 0.00008.
gnomAD v4.1: 18 of 1,609,920 alleles (0.0011%); highest among the groups gnomAD compares: East Asian, 0.0089%; no homozygotes.

Submissions (3):

Labcorp Genetics (formerly Invitae), Labcorp
Classification: Uncertain significance for Combined immunodeficiency due to CTPS1 deficiency. Last evaluated: 2024-05-13. Review status: criteria provided, single submitter. Criteria: Invitae Variant Classification Sherloc (09022015). Collection method: clinical testing. Allele origin: germline.
Comment: This sequence change replaces isoleucine, which is neutral and non-polar, with valine, which is neutral and non-polar, at codon 337 of the CTPS1 protein (p.Ile337Val). This variant is present in population databases (rs140093917, gnomAD 0.005%). This variant has not been reported in the literature in individuals affected with CTPS1-related conditions. ClinVar contains an entry for this variant (Variation ID: 656908). Algorithms developed to predict the effect of missense changes on protein structure and function output the following: SIFT: "Not Available"; PolyPhen-2: "Benign"; Align-GVGD: "Not Available". The valine amino acid residue is found in multiple mammalian species, which suggests that this missense change does not adversely affect protein function. In summary, the available evidence is currently insufficient to determine the role of this variant in disease. Therefore, it has been classified as a Variant of Uncertain Significance.

Ambry Genetics
Classification: Uncertain significance. Last evaluated: 2022-02-10. Review status: criteria provided, single submitter. Criteria: Ambry Variant Classification Scheme 2023. Collection method: clinical testing. Allele origin: germline.

Blueprint Genetics
Classification: Uncertain significance. Last evaluated: 2021-04-12. Review status: criteria provided, single submitter. Criteria: ACMG Guidelines, 2015. Collection method: clinical testing. Allele origin: germline.

NM_001905.4(CTPS1):c.1009A>G (p.Ile337Val)

Gene: CTPS1 (CTP synthase 1; plus strand). Cytogenetic location: 1p34.2.
Variant type: single nucleotide variant.
Coding change: c.1009A>G on transcript NM_001905.4 (MANE Select); coding-DNA position 1009, A replaced by G.
Protein change: p.Ile337Val; replaces isoleucine 337 with valine.
Molecular consequence: missense variant. On other transcripts: non-coding transcript variant (1).
Genome position (GRCh38, 1-based): chr1:41,001,032, A>G. VCF-style: chr1-41001032-A-G. GRCh37 (hg19) VCF-style: chr1-41466704-A-G.
Other names: c.1009A>G (NM_001905.2); c.541A>G, p.Ile181Val (NM_001301237.2); short protein forms I181V, I337V.
Identifiers: ClinVar variation 656908 (VCV000656908.9), dbSNP rs140093917, ClinGen allele CA795406.